The following is an entry in ClinVar:

NM_000815.5(GABRD):c.337A>G (p.Ser113Gly)

Gene: GABRD (gamma-aminobutyric acid type A receptor subunit delta; plus strand). Cytogenetic location: 1p36.33.
Variant type: single nucleotide variant.
Coding change: c.337A>G on transcript NM_000815.5 (MANE Select); coding-DNA position 337, A replaced by G.
Protein change: p.Ser113Gly; replaces serine 113 with glycine.
Molecular consequence: missense variant.
Genome position (GRCh38, 1-based): chr1:2,025,605, A>G. VCF-style: chr1-2025605-A-G. GRCh37 (hg19) VCF-style: chr1-1957044-A-G.
Other names: short protein forms S113G.
Identifiers: ClinVar variation 931155 (VCV000931155.3), dbSNP rs1658901096, ClinGen allele CA337957077.

ClinVar aggregate classification (germline): Uncertain significance (1 of 4 stars; one submission).

Conditions:
Epilepsy, idiopathic generalized, susceptibility to, 10. Identifiers: MedGen C2751603, MONDO:0013103, OMIM 613060.

Submission:

Centre for Mendelian Genomics, University Medical Centre Ljubljana
Classification: Uncertain significance for Epilepsy, idiopathic generalized, susceptibility to, 10. Last evaluated: 2019-08-12. Review status: criteria provided, single submitter. Criteria: ACMG Guidelines, 2015. Collection method: clinical testing. Allele origin: unknown. Affected: yes.
Comment: This variant was classified as: Uncertain significance. The available evidence on this variant's pathogenicity is insufficient or conflicting. The following ACMG criteria were applied in classifying this variant: PM2.